The following is an entry in ClinVar:

ClinVar aggregate classification (germline): Uncertain significance. Review status: criteria provided, multiple submitters, no conflicts (2 of 4 stars). 2 submissions from 2 submitters: Uncertain significance (2). Last evaluated 2025-02-13.

Allele frequency attached by ClinVar (database versions not stated): gnomAD exomes 0.00001 and 0.00002; ExAC 0.00002; TOPMed 0.00002; gnomAD 0.00003.
gnomAD v4.1: 15 of 1,614,064 alleles (0.00093%); highest among the groups gnomAD compares: Admixed American, 0.005%; no homozygotes.

Submissions (2):

Labcorp Genetics (formerly Invitae), Labcorp
Classification: Uncertain significance. Last evaluated: 2025-02-13. Review status: criteria provided, single submitter. Criteria: Invitae Variant Classification Sherloc (09022015). Collection method: clinical testing. Allele origin: germline.
Comment: This sequence change replaces threonine, which is neutral and polar, with methionine, which is neutral and non-polar, at codon 314 of the COL9A2 protein (p.Thr314Met). This variant is present in population databases (rs754230024, gnomAD 0.01%). This variant has not been reported in the literature in individuals affected with COL9A2-related conditions. ClinVar contains an entry for this variant (Variation ID: 1499286). Invitae Evidence Modeling of protein sequence and biophysical properties (such as structural, functional, and spatial information, amino acid conservation, physicochemical variation, residue mobility, and thermodynamic stability) indicates that this missense variant is not expected to disrupt COL9A2 protein function with a negative predictive value of 95%. In summary, the available evidence is currently insufficient to determine the role of this variant in disease. Therefore, it has been classified as a Variant of Uncertain Significance.

Breakthrough Genomics
Classification: Uncertain significance. Review status: criteria provided, single submitter. Criteria: ACMG Guidelines, 2015. Collection method: not provided. Allele origin: germline. Inheritance: Autosomal recessive inheritance. Affected: yes.

NM_001852.4(COL9A2):c.941C>T (p.Thr314Met)

Gene: COL9A2 (collagen type IX alpha 2 chain; minus strand). Cytogenetic location: 1p34.2.
Variant type: single nucleotide variant.
Coding change: c.941C>T on transcript NM_001852.4 (MANE Select); coding-DNA position 941, C replaced by T.
Protein change: p.Thr314Met; replaces threonine 314 with methionine.
Molecular consequence: missense variant.
Genome position (GRCh38, 1-based): chr1:40,307,716, G>A on the plus strand (C>T on the coding strand, the complement: COL9A2 is on the minus strand). VCF-style: chr1-40307716-G-A. GRCh37 (hg19) VCF-style: chr1-40773388-G-A.
Other names: short protein forms T314M.
Identifiers: ClinVar variation 1499286 (VCV001499286.9), dbSNP rs754230024, ClinGen allele CA791666.